The following is an entry in ClinVar:

ClinVar aggregate classification (germline): Conflicting classifications of pathogenicity. Review status: criteria provided, conflicting classifications (1 of 4 stars). 6 submissions from 6 submitters: Pathogenic (2); Likely pathogenic (1); Uncertain significance (1). 2 of the submissions do not count toward it. Last evaluated 2025-10-10.

Conditions:
Stickler syndrome. Identifiers: Orphanet 828, MedGen C0265253, MONDO:0019354.
COL11A1-related disorder. Also called: COL11A1-related disorders; COL11A1-related condition.
Stickler syndrome type 2 (STL2). Also called: COL11A1-Related Stickler Syndrome; STICKLER SYNDROME, TYPE II; STICKLER SYNDROME, BEADED VITREOUS TYPE; STICKLER SYNDROME, VITREOUS TYPE 2. Identifiers: Orphanet 828, Orphanet 90654, MedGen C1858084, MONDO:0011493, OMIM 604841.

Submissions (6):

Cambridge Genomics Laboratory, East Genomic Laboratory Hub, NHS Genomic Medicine Service
Classification: Pathogenic for Stickler syndrome. Last evaluated: 2025-10-10. Review status: criteria provided, single submitter. Criteria: ACGS Best Practice Guidelines for Variant Classification in Rare Disease 2020. Collection method: clinical testing. Allele origin: germline. Affected: yes.
Comment: PVS1_Strong,PS4_Moderate,PM2,PP1_Strong

Labcorp Genetics (formerly Invitae), Labcorp
Classification: Pathogenic. Last evaluated: 2025-08-18. Review status: criteria provided, single submitter. Criteria: Invitae Variant Classification Sherloc (09022015). Collection method: clinical testing. Allele origin: germline.
Comment: This sequence change falls in intron 35 of the COL11A1 gene. It does not directly change the encoded amino acid sequence of the COL11A1 protein. It affects a nucleotide within the consensus splice site. This variant is not present in population databases (gnomAD no frequency). This variant has been observed in individuals with clinical features of autosomal dominant Stickler syndrome (PMID: 20513134; internal data). It has also been observed to segregate with disease in related individuals. This variant is also known as c.2755+5G>A. ClinVar contains an entry for this variant (Variation ID: 374386). Variants that disrupt the consensus splice site are a relatively common cause of aberrant splicing (PMID: 17576681, 9536098). Algorithms developed to predict the effect of sequence changes on RNA splicing suggest that this variant may disrupt the consensus splice site. For these reasons, this variant has been classified as Pathogenic.

GeneDx
Classification: Uncertain significance. Last evaluated: 2025-02-23. Review status: criteria provided, single submitter. Criteria: GeneDx Variant Classification Process June 2021. Collection method: clinical testing. Allele origin: germline. Affected: yes.
Comment: Damages or destroys the splice donor site in intron 34, and is expected to cause abnormal gene splicing; if the splice outcome is exon skip, the loss of the encoded residues in the triple helical region is expected to disrupt normal protein folding and function (PMID: 25240749); Intronic +5 splice site variant in a gene for which loss of function is a known mechanism of disease, and both splice predictors and evolutionary conservation support a deleterious effect, although in the absence of functional evidence the actual effect of this sequence change is unknown.; Not observed at significant frequency in large population cohorts (gnomAD); This variant is associated with the following publications: (PMID: 25525159, 22189268, 20513134, 25240749)

Blueprint Genetics
Classification: Likely pathogenic for COL11A1-related disorders. Last evaluated: 2018-12-03. Review status: criteria provided, single submitter. Criteria: ACMG Guidelines, 2015. Collection method: clinical testing. Allele origin: germline. Affected: yes. Observed: 2 variant alleles.

Autoinflammatory diseases unit, CHU de Montpellier
Classification: Pathogenic for Stickler syndrome type 2. Last evaluated: 2024-09-25. Review status: no assertion criteria provided. Collection method: clinical testing. Allele origin: maternal. Affected: yes. Not counted in ClinVar's aggregate classification.

Baylor Genetics
Classification: Likely pathogenic for Stickler syndrome type 2. Last evaluated: 2016-05-01. Review status: no assertion criteria provided. Collection method: clinical testing. Allele origin: germline. Inheritance: Autosomal dominant inheritance. Affected: yes. Not counted in ClinVar's aggregate classification.

Literature cited by the submitters: PubMed 20513134 (cited by Labcorp Genetics (formerly Invitae), Labcorp and Baylor Genetics); PubMed 17576681 (cited by Labcorp Genetics (formerly Invitae), Labcorp); PubMed 9536098 (cited by Labcorp Genetics (formerly Invitae), Labcorp).

NM_001854.4(COL11A1):c.2754+5G>A

Gene: COL11A1 (collagen type XI alpha 1 chain; minus strand). Cytogenetic location: 1p21.1.
Variant type: single nucleotide variant.
Coding change: c.2754+5G>A on transcript NM_001854.4 (MANE Select); 5 bases into the intron after coding-DNA position 2754, G replaced by A.
Molecular consequence: intron variant.
Genome position (GRCh38, 1-based): chr1:102,978,703, C>T on the plus strand (G>A on the coding strand, the complement: COL11A1 is on the minus strand). VCF-style: chr1-102978703-C-T. GRCh37 (hg19) VCF-style: chr1-103444259-C-T.
Other names: c.2637+5G>A (NM_001190709.2); c.2790+5G>A (NM_080629.3); c.2406+5G>A (NM_080630.4).
Identifiers: ClinVar variation 374386 (VCV000374386.11), dbSNP rs1057518666, ClinGen allele CA16043725.